The following is an entry in ClinVar:

NM_001197104.2(KMT2A):c.6379C>T (p.Arg2127Ter)

Gene: KMT2A (lysine methyltransferase 2A; plus strand). Cytogenetic location: 11q23.3.
Variant type: single nucleotide variant.
Coding change: c.6379C>T on transcript NM_001197104.2 (MANE Select); coding-DNA position 6379, C replaced by T.
Protein change: p.Arg2127Ter; replaces arginine 2127 with a stop codon.
Molecular consequence: nonsense.
Genome position (GRCh38, 1-based): chr11:118,501,731, C>T. VCF-style: chr11-118501731-C-T. GRCh37 (hg19) VCF-style: chr11-118372446-C-T.
Other names: c.6469C>T, p.Arg2157Ter (NM_001412597.1); c.6370C>T, p.Arg2124Ter (NM_005933.4); short protein forms R2124*, R2127*, R2157*.
Identifiers: ClinVar variation 2504736 (VCV002504736.7), dbSNP rs782373978, ClinGen allele CA382801625.

ClinVar aggregate classification (germline): Pathogenic. Review status: criteria provided, multiple submitters, no conflicts (2 of 4 stars). 3 submissions from 3 submitters: Pathogenic (3). Last evaluated 2022-12-06.

Conditions:
Wiedemann-Steiner syndrome (WDSTS). Also called: Growth deficiency and mental retardation with facial dysmorphism. Identifiers: Orphanet 319182, MedGen C1854630, MONDO:0011518, OMIM 605130.

Submissions (3):

GeneDx
Classification: Pathogenic. Last evaluated: 2022-12-06. Review status: criteria provided, single submitter. Criteria: GeneDx Variant Classification Process June 2021. Collection method: clinical testing. Allele origin: germline. Affected: yes.
Comment: Nonsense variant predicted to result in protein truncation or nonsense mediated decay in a gene for which loss of function is a known mechanism of disease; Not observed at significant frequency in large population cohorts (gnomAD); This variant is associated with the following publications: (PMID: Fontana2020[Review], 31785789, 31168168, 29276005, 26544196)

Labcorp Genetics (formerly Invitae), Labcorp
Classification: Pathogenic. Last evaluated: 2022-11-29. Review status: criteria provided, single submitter. Criteria: Invitae Variant Classification Sherloc (09022015). Collection method: clinical testing. Allele origin: germline.
Comment: For these reasons, this variant has been classified as Pathogenic. This premature translational stop signal has been observed in individual(s) with KMT2A-related conditions (PMID: 26544196, 29276005). This variant is not present in population databases (gnomAD no frequency). This sequence change creates a premature translational stop signal (p.Arg2127*) in the KMT2A gene. It is expected to result in an absent or disrupted protein product. Loss-of-function variants in KMT2A are known to be pathogenic (PMID: 22795537, 25574841, 25810209, 28120103, 29574747, 31157197, 31337854).

Juno Genomics, Hangzhou Juno Genomics, Inc
Classification: Pathogenic for Wiedemann-Steiner syndrome. Review status: criteria provided, single submitter. Criteria: ACMG Guidelines, 2015. Collection method: clinical testing. Allele origin: germline. Affected: yes.
Comment: Null variant in a gene where loss of function (LOF) is a known mechanism of disease.;Absent from controls (or at extremely low frequency if recessive) in Genome Aggregation Database, Exome Sequencing Project, 1000 Genomes Project, or Exome Aggregation Consortium.;The prevalence of the variant in affected individuals is significantly increased compared to the prevalence in controls.;De novo (both maternity and paternity confirmed) in a patient with the disease and no family history.

Literature cited by the submitters: PubMed 26544196 (cited by Labcorp Genetics (formerly Invitae), Labcorp); PubMed 29276005 (cited by Labcorp Genetics (formerly Invitae), Labcorp); PubMed 22795537 (cited by Labcorp Genetics (formerly Invitae), Labcorp); PubMed 25574841 (cited by Labcorp Genetics (formerly Invitae), Labcorp); PubMed 25810209 (cited by Labcorp Genetics (formerly Invitae), Labcorp); PubMed 28120103 (cited by Labcorp Genetics (formerly Invitae), Labcorp); PubMed 29574747 (cited by Labcorp Genetics (formerly Invitae), Labcorp); PubMed 31157197 (cited by Labcorp Genetics (formerly Invitae), Labcorp); PubMed 31337854 (cited by Labcorp Genetics (formerly Invitae), Labcorp).